The following is an entry in ClinVar:

NM_001844.5(COL2A1):c.3073C>T (p.Pro1025Ser)

Gene: COL2A1 (collagen type II alpha 1 chain; minus strand). Cytogenetic location: 12q13.11.
Variant type: single nucleotide variant.
Coding change: c.3073C>T on transcript NM_001844.5 (MANE Select); coding-DNA position 3073, C replaced by T.
Protein change: p.Pro1025Ser; replaces proline 1025 with serine.
Molecular consequence: missense variant.
Genome position (GRCh38, 1-based): chr12:47,978,048, G>A on the plus strand (C>T on the coding strand, the complement: COL2A1 is on the minus strand). VCF-style: chr12-47978048-G-A. GRCh37 (hg19) VCF-style: chr12-48371831-G-A.
Other names: c.2866C>T, p.Pro956Ser (NM_033150.3); short protein forms P1025S, P956S.
Identifiers: ClinVar variation 2191661 (VCV002191661.4), dbSNP rs1301506668, ClinGen allele CA384540708.
Genomic context (GRCh38, chr12:47,978,048, plus strand): 5'-CCCAGGGGGTCTCACTGCTCACCTCTCGTCCAGGTTCACCTGCAGGACCCGTCAGGCCAG[G>A]AGGACCCACGGGGCCAGGAGGACCTCTGTCTCCAGATGCTCCAGGAGCACCCTGCTTGCC-3'
Protein context (NP_001835.3, residues 1015-1035): DRGPPGPVGP[Pro1025Ser]GLTGPAGEPG

ClinVar aggregate classification (germline): Uncertain significance (1 of 4 stars; one submission).

Allele frequency attached by ClinVar (database versions not stated): gnomAD 0.00001; TOPMed 0.00001; gnomAD exomes 0.00002.
gnomAD v4.1: 28 of 1,613,654 alleles (0.0017%); highest among the groups gnomAD compares: Non-Finnish European, 0.0023%; no homozygotes.

Submission:

Labcorp Genetics (formerly Invitae), Labcorp
Classification: Uncertain significance. Last evaluated: 2025-09-04. Review status: criteria provided, single submitter. Criteria: Invitae Variant Classification Sherloc (09022015). Collection method: clinical testing. Allele origin: germline.
Comment: This sequence change replaces proline, which is neutral and non-polar, with serine, which is neutral and polar, at codon 1025 of the COL2A1 protein (p.Pro1025Ser). This variant is not present in population databases (gnomAD no frequency). This variant has not been reported in the literature in individuals affected with COL2A1-related conditions. ClinVar contains an entry for this variant (Variation ID: 2191661). Invitae Evidence Modeling of protein sequence and biophysical properties (such as structural, functional, and spatial information, amino acid conservation, physicochemical variation, residue mobility, and thermodynamic stability) has been performed for this missense variant. However, the output from this modeling did not meet the statistical confidence thresholds required to predict the impact of this variant on COL2A1 protein function. In summary, the available evidence is currently insufficient to determine the role of this variant in disease. Therefore, it has been classified as a Variant of Uncertain Significance.